The following is an entry in ClinVar:

ClinVar aggregate classification (germline): Uncertain significance. Review status: criteria provided, multiple submitters, no conflicts (2 of 4 stars). 4 submissions from 4 submitters: Uncertain significance (4). Last evaluated 2024-07-18.

Conditions:
MYORG-related disorder. Also called: MYORG-related condition.

Allele frequency attached by ClinVar (database versions not stated): ExAC 0.00002; gnomAD 0.00008; TOPMed 0.00009.
gnomAD v4.1: 176 of 1,612,832 alleles (0.011%); highest among the groups gnomAD compares: Non-Finnish European, 0.014%; no homozygotes.

Submissions (4):

GeneDx
Classification: Uncertain significance. Last evaluated: 2024-07-18. Review status: criteria provided, single submitter. Criteria: GeneDx Variant Classification Process June 2021. Collection method: clinical testing. Allele origin: germline. Affected: yes.
Comment: Reported along with a second variant in the MYORG gene in a patient with primary familial brain calcification in the published literature; however, segregation information was not provided (PMID: 32211515); In silico analysis supports that this missense variant has a deleterious effect on protein structure/function; This variant is associated with the following publications: (PMID: 37680026, 32211515)

Labcorp Genetics (formerly Invitae), Labcorp
Classification: Uncertain significance. Last evaluated: 2023-11-19. Review status: criteria provided, single submitter. Criteria: Invitae Variant Classification Sherloc (09022015). Collection method: clinical testing. Allele origin: germline.
Comment: This sequence change replaces serine, which is neutral and polar, with leucine, which is neutral and non-polar, at codon 533 of the KIAA1161 protein (p.Ser533Leu). This variant is present in population databases (rs761392440, gnomAD 0.005%). This missense change has been observed in individual(s) with primary basal ganglia calcification (PMID: 32211515). ClinVar contains an entry for this variant (Variation ID: 1335726). Advanced modeling of protein sequence and biophysical properties (such as structural, functional, and spatial information, amino acid conservation, physicochemical variation, residue mobility, and thermodynamic stability) has been performed at Invitae for this missense variant, however the output from this modeling did not meet the statistical confidence thresholds required to predict the impact of this variant on KIAA1161 protein function. In summary, the available evidence is currently insufficient to determine the role of this variant in disease. Therefore, it has been classified as a Variant of Uncertain Significance.

PreventionGenetics, part of Exact Sciences
Classification: Uncertain significance for MYORG-related condition. Last evaluated: 2023-01-12. Review status: criteria provided, single submitter. Criteria: ACMG Guidelines, 2015. Collection method: clinical testing. Allele origin: germline.
Comment: The MYORG c.1598C>T variant is predicted to result in the amino acid substitution p.Ser533Leu. This variant was reported in an individual with bilateral basal ganglia and subcortical white matter calcification (Chelban et al. 2020. PubMed ID: 32211515). This variant is reported in 0.0051% of alleles in individuals of East Asian descent in gnomAD. Although we suspect that this variant may be pathogenic, at this time, the clinical significance of this variant is uncertain due to the absence of conclusive functional and genetic evidence.

CeGaT Center for Human Genetics Tuebingen
Classification: Uncertain significance. Last evaluated: 2021-12-01. Review status: criteria provided, single submitter. Criteria: CeGaT Center For Human Genetics Tuebingen Variant Classification Criteria Version 2. Collection method: clinical testing. Allele origin: germline. Affected: yes. Observed: 1 variant allele.

Literature cited by the submitters: PubMed 32211515 (cited by Labcorp Genetics (formerly Invitae), Labcorp).

NM_020702.5(MYORG):c.1598C>T (p.Ser533Leu)

Gene: MYORG (myogenesis regulating glycosidase; minus strand). Cytogenetic location: 9p13.3.
Variant type: single nucleotide variant.
Coding change: c.1598C>T on transcript NM_020702.5 (MANE Select); coding-DNA position 1598, C replaced by T.
Protein change: p.Ser533Leu; replaces serine 533 with leucine.
Molecular consequence: missense variant.
Genome position (GRCh38, 1-based): chr9:34,371,346, G>A on the plus strand (C>T on the coding strand, the complement: MYORG is on the minus strand). VCF-style: chr9-34371346-G-A. GRCh37 (hg19) VCF-style: chr9-34371344-G-A.
Other names: c.1598C>T (NM_020702.4); short protein forms S533L.
Identifiers: ClinVar variation 1335726 (VCV001335726.41), dbSNP rs761392440, ClinGen allele CA5032882.
Genomic context (GRCh38, chr9:34,371,346, plus strand): 5'-ATATCGGGTAGGATGAATGGGTAGCCCAGCATGCTGACGGTGAGCACCGCGGGGATGAGT[G>A]AGCGCAACCCCAGGTCGTAGCCCCACACAGAGTCGCGATCCACCAGGCGGAAGAAGCAGG-3'
Protein context (NP_065753.2, residues 523-543): SVWGYDLGLR[Ser533Leu]LIPAVLTVSM